The following is an entry in ClinVar:

NM_000539.3(RHO):c.36del (p.Phe13fs)

Gene: RHO (rhodopsin; plus strand). Cytogenetic location: 3q22.1.
Variant type: Deletion.
Coding change: c.36del on transcript NM_000539.3 (MANE Select); coding-DNA position 36, one base deleted (C; older notation c.36delC).
Protein change: p.Phe13fs; shifts the reading frame from phenylalanine 13.
Molecular consequence: frameshift variant.
Genome position (GRCh38, 1-based): chr3:129,528,769, C deleted; the last of 3 consecutive C bases (chr3:129,528,767-129,528,769); deleting any one gives the same sequence. VCF-style (leftmost placement, unchanged base first): chr3-129528766-GC-G. GRCh37 (hg19) VCF-style: chr3-129247609-GC-G.
Other names: c.36delC (NM_000539.3); short protein forms F13fs.
Identifiers: ClinVar variation 1456255 (VCV001456255.12), dbSNP rs1172673857, ClinGen allele CA546417595.

ClinVar aggregate classification (germline): Conflicting classifications of pathogenicity. Review status: criteria provided, conflicting classifications (1 of 4 stars). 4 submissions from 4 submitters: Pathogenic (1); Likely pathogenic (2); Uncertain significance (1). Last evaluated 2023-10-01.

Conditions:
Retinitis pigmentosa 4 (RP4). Also called: RETINITIS PIGMENTOSA, RHODOPSIN-RELATED. Identifiers: Orphanet 791, MedGen C3151001, MONDO:0013395, OMIM 613731.
Retinal dystrophy. Also called: Inherited retinal dystrophy. Identifiers: Orphanet 71862, MedGen C0854723, MeSH D058499, MONDO:0019118, HP:0000556.
RHO-related disorder. Also called: RHO-related condition.

Submissions (4):

Dept Of Ophthalmology, Nagoya University
Classification: Uncertain significance for Retinal dystrophy. Last evaluated: 2023-10-01. Review status: criteria provided, single submitter. Criteria: Submitter's publication. Collection method: research. Allele origin: germline. Affected: yes.

Blueprint Genetics
Classification: Likely pathogenic for RHO-related disorders. Last evaluated: 2022-09-02. Review status: criteria provided, single submitter. Criteria: ACMG Guidelines, 2015. Collection method: clinical testing. Allele origin: germline. Affected: yes. Observed: 2 variant alleles.

Labcorp Genetics (formerly Invitae), Labcorp
Classification: Pathogenic. Last evaluated: 2020-11-17. Review status: criteria provided, single submitter. Criteria: Invitae Variant Classification Sherloc (09022015). Collection method: clinical testing. Allele origin: germline.
Comment: This variant has been reported in individual(s) with autosomal dominant retinitis pigmentosa (PMID: 26161267, 31319082); however, the role of the variant in this condition is currently unclear. For these reasons, this variant has been classified as Pathogenic. Experimental studies have shown that this variant affects RHO protein function (PMID: 30977563). This variant is not present in population databases (ExAC no frequency). This sequence change creates a premature translational stop signal (p.Phe13Serfs*35) in the RHO gene. It is expected to result in an absent or disrupted protein product. Loss-of-function variants in RHO are known to be pathogenic (PMID: 1303237, 21174529).

Juno Genomics, Hangzhou Juno Genomics, Inc
Classification: Likely pathogenic for Retinitis pigmentosa 4. Review status: criteria provided, single submitter. Criteria: ACMG Guidelines, 2015. Collection method: clinical testing. Allele origin: germline.
Comment: Null variant in a gene where loss of function (LOF) is a known mechanism of disease.;The prevalence of the variant in affected individuals is significantly increased compared to the prevalence in controls.

Literature cited by the submitters: PubMed 26161267 (cited by Labcorp Genetics (formerly Invitae), Labcorp); PubMed 31319082 (cited by Labcorp Genetics (formerly Invitae), Labcorp); PubMed 30977563 (cited by Labcorp Genetics (formerly Invitae), Labcorp); PubMed 1303237 (cited by Labcorp Genetics (formerly Invitae), Labcorp); PubMed 21174529 (cited by Labcorp Genetics (formerly Invitae), Labcorp).